The following is an entry in ClinVar:

ClinVar aggregate classification (germline): Uncertain significance (1 of 4 stars; one submission).

Conditions:
Cholestanol storage disease (CTX). Also called: Cerebrotendinous Xanthomatosis; CEREBRAL CHOLESTERINOSIS; CTX: Cerebrotendinous xanthomatosis. Identifiers: Orphanet 909, MedGen C0238052, MONDO:0008948, OMIM 213700.

Allele frequency attached by ClinVar (database versions not stated): gnomAD exomes below 0.00001; TOPMed below 0.00001.
gnomAD v4.1: 1 of 1,614,250 alleles (0.000062%); highest among the groups gnomAD compares: Admixed American, 0.0017%; no homozygotes.

Submission:

Labcorp Genetics (formerly Invitae), Labcorp
Classification: Uncertain significance for Cholestanol storage disease. Last evaluated: 2025-01-06. Review status: criteria provided, single submitter. Criteria: Invitae Variant Classification Sherloc (09022015). Collection method: clinical testing. Allele origin: germline.
Comment: This sequence change falls in intron 6 of the CYP27A1 gene. It does not directly change the encoded amino acid sequence of the CYP27A1 protein. It affects a nucleotide within the consensus splice site. This variant is not present in population databases (gnomAD no frequency). This variant has not been reported in the literature in individuals affected with CYP27A1-related conditions. ClinVar contains an entry for this variant (Variation ID: 1003462). Variants that disrupt the consensus splice site are a relatively common cause of aberrant splicing (PMID: 17576681, 9536098). Algorithms developed to predict the effect of sequence changes on RNA splicing suggest that this variant may disrupt the consensus splice site. In summary, the available evidence is currently insufficient to determine the role of this variant in disease. Therefore, it has been classified as a Variant of Uncertain Significance.

Literature cited by the submitters: PubMed 17576681; PubMed 9536098.

NM_000784.4(CYP27A1):c.1184+3A>G

Gene: CYP27A1 (cytochrome P450 family 27 subfamily A member 1; plus strand). Cytogenetic location: 2q35.
Variant type: single nucleotide variant.
Coding change: c.1184+3A>G on transcript NM_000784.4 (MANE Select); 3 bases into the intron after coding-DNA position 1184, A replaced by G.
Molecular consequence: intron variant.
Genome position (GRCh38, 1-based): chr2:218,814,190, A>G. VCF-style: chr2-218814190-A-G. GRCh37 (hg19) VCF-style: chr2-219678913-A-G.
Identifiers: ClinVar variation 1003462 (VCV001003462.6), dbSNP rs1943757633, ClinGen allele CA1328929606.